The following is an entry in ClinVar:

ClinVar aggregate classification (germline): Uncertain significance (1 of 4 stars; one submission).

Allele frequency attached by ClinVar (database versions not stated): ExAC 0.00001; TOPMed 0.00001.

Submission:

Labcorp Genetics (formerly Invitae), Labcorp
Classification: Uncertain significance. Last evaluated: 2024-02-24. Review status: criteria provided, single submitter. Criteria: Invitae Variant Classification Sherloc (09022015). Collection method: clinical testing. Allele origin: germline.
Comment: This sequence change replaces arginine, which is basic and polar, with cysteine, which is neutral and slightly polar, at codon 93 of the JAK1 protein (p.Arg93Cys). This variant is present in population databases (rs768706312, gnomAD 0.006%). This variant has not been reported in the literature in individuals affected with JAK1-related conditions. ClinVar contains an entry for this variant (Variation ID: 1509257). Advanced modeling of protein sequence and biophysical properties (such as structural, functional, and spatial information, amino acid conservation, physicochemical variation, residue mobility, and thermodynamic stability) has been performed at Invitae for this missense variant, however the output from this modeling did not meet the statistical confidence thresholds required to predict the impact of this variant on JAK1 protein function. In summary, the available evidence is currently insufficient to determine the role of this variant in disease. Therefore, it has been classified as a Variant of Uncertain Significance.

NM_002227.4(JAK1):c.277C>T (p.Arg93Cys)

Gene: JAK1 (Janus kinase 1; minus strand). Cytogenetic location: 1p31.3.
Variant type: single nucleotide variant.
Coding change: c.277C>T on transcript NM_002227.4 (MANE Select); coding-DNA position 277, C replaced by T.
Protein change: p.Arg93Cys; replaces arginine 93 with cysteine.
Molecular consequence: missense variant.
Genome position (GRCh38, 1-based): chr1:64,879,077, G>A on the plus strand (C>T on the coding strand, the complement: JAK1 is on the minus strand). VCF-style: chr1-64879077-G-A. GRCh37 (hg19) VCF-style: chr1-65344760-G-A.
Other names: c.277C>T, p.Arg93Cys (NM_001320923.2, NM_001321852.2, NM_001321853.2 and 4 more transcripts); short protein forms R93C.
Identifiers: ClinVar variation 1509257 (VCV001509257.6), dbSNP rs768706312, ClinGen allele CA893202.
Genomic context (GRCh38, chr1:64,879,077, plus strand): 5'-TCCCATACCTCATCCGGTAGTGGAGCCGGAGGGACATCTTGTCATCAACGGTGATGGTGC[G>A]ATTTGGAGCATACCAGAGCTTGGTGTTCTCGTCATACAGGGCAAAGAGGTTGTGACAAAG-3'
Protein context (NP_002218.2, residues 83-103): ENTKLWYAPN[Arg93Cys]TITVDDKMSL